The following is an entry in ClinVar:

NM_001365951.3(KIF1B):c.1703A>T (p.Asp568Val)

Gene: KIF1B (kinesin family member 1B; plus strand). Cytogenetic location: 1p36.22.
Variant type: single nucleotide variant.
Coding change: c.1703A>T on transcript NM_001365951.3 (MANE Select); coding-DNA position 1703, A replaced by T.
Protein change: p.Asp568Val; replaces aspartic acid 568 with valine.
Molecular consequence: missense variant.
Genome position (GRCh38, 1-based): chr1:10,295,692, A>T. VCF-style: chr1-10295692-A-T. GRCh37 (hg19) VCF-style: chr1-10355750-A-T.
Other names: c.1703A>T, p.Asp568Val (NM_001365952.1); c.1565A>T, p.Asp522Val (NM_001365953.1, NM_015074.3, NM_183416.4); short protein forms D522V, D568V.
Identifiers: ClinVar variation 2444903 (VCV002444903.1), dbSNP rs866528002, ClinGen allele CA338314855.

ClinVar aggregate classification (germline): Uncertain significance (1 of 4 stars; one submission).

Conditions:
Neuroblastoma, susceptibility to, 1. Identifiers: MedGen C2749485, MONDO:0009741, OMIM 256700.

Submission:

St. Jude Molecular Pathology, St. Jude Children's Research Hospital
Classification: Uncertain significance for Neuroblastoma, susceptibility to, 1. Last evaluated: 2022-11-30. Review status: criteria provided, single submitter. Criteria: St. Jude Assertion Criteria 2020. Collection method: clinical testing. Allele origin: germline.
Comment: The KIF1B c.1565A>T (p.Asp522Val) missense change is absent in gnomAD v2.1.1. The in silico tool REVEL predicts a deleterious effect on protein function, but to our knowledge this prediction has not been confirmed by functional studies. To our knowledge, this variant has not been reported in individuals with pheochromocytoma or neuroblastoma. In summary, the evidence currently available is insufficient to determine the clinical significance of this variant. It has therefore been classified as of uncertain significance.